The following is an entry in ClinVar:

NM_001374623.1(PNPLA1):c.1595+511A>C

Gene: PNPLA1 (patatin like domain 1, omega-hydroxyceramide transacylase; plus strand). Cytogenetic location: 6p21.31.
Variant type: single nucleotide variant.
Coding change: c.1595+511A>C on transcript NM_001374623.1 (MANE Select); 511 bases into the intron after coding-DNA position 1595, A replaced by C.
Molecular consequence: intron variant. On other transcripts: 3 prime UTR variant (3).
Genome position (GRCh38, 1-based): chr6:36,308,223, A>C. VCF-style: chr6-36308223-A-C. GRCh37 (hg19) VCF-style: chr6-36276000-A-C.
Other names: c.*507A>C (NM_001145717.1, NM_001145716.2, NM_173676.2).
Identifiers: ClinVar variation 356581 (VCV000356581.5), dbSNP rs12214296, ClinGen allele CA10622041.
Genomic context (GRCh38, chr6:36,308,223, plus strand): 5'-GGTCAGGAGTTCAAGAACAGCCTGACCAACATGGTGAAACTCCATCTCTACTAAAAATAC[A>C]AAAATTAACCAGGCTTGATGGTGTGCACCTGTAATCTCAGCTACTCGGGAGGCTGAGGCA-3'

ClinVar aggregate classification (germline): Benign (1 of 4 stars; one submission).

Conditions:
Autosomal recessive congenital ichthyosis 10 (ARCI10). Identifiers: Orphanet 79394, MedGen C3554355, MONDO:0014011, OMIM 615024.

Allele frequency attached by ClinVar (database versions not stated): 1000 Genomes Project 30x 0.09900; 1000 Genomes Project 0.10084; gnomAD exomes 0.11538; TOPMed 0.12735; gnomAD 0.13287 and 0.13494.
gnomAD v4.1: 20,239 of 152,322 alleles (13%); highest among the groups gnomAD compares: Middle Eastern, 21%; 1,435 homozygotes.

Submission:

Illumina Laboratory Services, Illumina
Classification: Benign for Autosomal recessive congenital ichthyosis 10. Last evaluated: 2018-01-12. Review status: criteria provided, single submitter. Criteria: ICSL Variant Classification Criteria 13 December 2019. Collection method: clinical testing. Allele origin: germline.
Comment: This variant was observed in the ICSL laboratory as part of a predisposition screen in an ostensibly healthy population. It had not been previously curated by ICSL or reported in the Human Gene Mutation Database (HGMD: prior to June 1st, 2018), and was therefore a candidate for classification through an automated scoring system. Utilizing variant allele frequency, disease prevalence and penetrance estimates, and inheritance mode, an automated score was calculated to assess if this variant is too frequent to cause the disease. Based on the score and internal cut-off values, a variant classified as benign is not then subjected to further curation. The score for this variant resulted in a classification of benign for this disease.